The following is an entry in ClinVar:

ClinVar aggregate classification (germline): Uncertain significance (1 of 4 stars; one submission).

Conditions:
Inborn genetic diseases. Identifiers: MedGen C0950123, MeSH D030342.

Allele frequency attached by ClinVar (database versions not stated): ExAC 0.00001; gnomAD exomes 0.00002; ESP Exome Variant Server 0.00008.
gnomAD v4.1: 14 of 1,614,028 alleles (0.00087%); highest among the groups gnomAD compares: Non-Finnish European, 0.0012%; no homozygotes.

Submission:

Ambry Genetics
Classification: Uncertain significance for Inborn genetic diseases. Last evaluated: 2021-02-04. Review status: criteria provided, single submitter. Criteria: Ambry Variant Classification Scheme 2023. Collection method: clinical testing. Allele origin: germline.
Comment: The p.P967S variant (also known as c.2899C>T), located in coding exon 4 of the PRX gene, results from a C to T substitution at nucleotide position 2899. The proline at codon 967 is replaced by serine, an amino acid with similar properties. This amino acid position is well conserved in available vertebrate species; however, serine is the reference amino acid in other vertebrate species. In silico splice site analysis predicts that this alteration will not have any significant effect on splicing. In addition, the in silico prediction for this alteration is inconclusive. Since supporting evidence is limited at this time, the clinical significance of this alteration remains unclear.

NM_181882.3(PRX):c.2899C>T (p.Pro967Ser)

Gene: PRX (periaxin; minus strand). Cytogenetic location: 19q13.2.
Variant type: single nucleotide variant.
Coding change: c.2899C>T on transcript NM_181882.3 (MANE Select); coding-DNA position 2899, C replaced by T.
Protein change: p.Pro967Ser; replaces proline 967 with serine.
Molecular consequence: missense variant. On other transcripts: 3 prime UTR variant (1).
Genome position (GRCh38, 1-based): chr19:40,395,453, G>A on the plus strand (C>T on the coding strand, the complement: PRX is on the minus strand). VCF-style: chr19-40395453-G-A. GRCh37 (hg19) VCF-style: chr19-40901360-G-A.
Other names: c.3184C>T, p.Pro1062Ser (NM_001411127.1); c.*3104C>T (NM_020956.2); short protein forms P967S, P1062S.
Identifiers: ClinVar variation 1797378 (VCV001797378.2), dbSNP rs376423497, ClinGen allele CA9443960.